The following is an entry in ClinVar:

ClinVar aggregate classification (germline): Benign/Likely benign. Review status: criteria provided, multiple submitters, no conflicts (2 of 4 stars). 5 submissions from 4 submitters: Benign (2); Likely benign (3). Last evaluated 2025-02-03.

Conditions:
Adams-Oliver syndrome 5 (AOS5). Identifiers: Orphanet 974, MedGen C4014970, MONDO:0014459, OMIM 616028.
Familial thoracic aortic aneurysm and aortic dissection (TAAD). Also called: Thoracic aortic aneurysms and dissections. Identifiers: Orphanet 91387, MedGen C4707243, MONDO:0019625.
Aortic valve disease 1 (AOVD1). Identifiers: MedGen C3887892, MONDO:0024523, OMIM 109730.

Allele frequency attached by ClinVar (database versions not stated): gnomAD 0.00001; TOPMed 0.00003; gnomAD exomes 0.00004 and 0.00005; ExAC 0.00006.
gnomAD v4.1: 56 of 1,612,642 alleles (0.0035%); highest among the groups gnomAD compares: South Asian, 0.0044%; 1 homozygote.

Submissions (5):

Labcorp Genetics (formerly Invitae), Labcorp
Classification: Likely benign for Adams-Oliver syndrome 5. Last evaluated: 2025-02-03. Review status: criteria provided, single submitter. Criteria: Invitae Variant Classification Sherloc (09022015). Collection method: clinical testing. Allele origin: germline.

Genome-Nilou Lab
Classification: Benign for Adams-Oliver syndrome 5. Last evaluated: 2022-03-15. Review status: criteria provided, single submitter. Criteria: ACMG Guidelines, 2015. Collection method: clinical testing. Allele origin: germline. Affected: no.

Genome-Nilou Lab
Classification: Benign for Aortic valve disease 1. Last evaluated: 2022-03-15. Review status: criteria provided, single submitter. Criteria: ACMG Guidelines, 2015. Collection method: clinical testing. Allele origin: germline. Affected: no.

Ambry Genetics
Classification: Likely benign for Familial thoracic aortic aneurysm and aortic dissection. Last evaluated: 2019-12-18. Review status: criteria provided, single submitter. Criteria: Ambry Variant Classification Scheme 2023. Collection method: clinical testing. Allele origin: germline.

GeneDx
Classification: Likely benign. Last evaluated: 2016-10-05. Review status: criteria provided, single submitter. Criteria: GeneDx Variant Classification (06012015). Collection method: clinical testing. Allele origin: germline. Affected: yes.
Comment: This variant is considered likely benign or benign based on one or more of the following criteria: it is a conservative change, it occurs at a poorly conserved position in the protein, it is predicted to be benign by multiple in silico algorithms, and/or has population frequency not consistent with disease.

NM_017617.5(NOTCH1):c.6582C>T (p.Ser2194=)

Gene: NOTCH1 (notch receptor 1; minus strand). Cytogenetic location: 9q34.3.
Variant type: single nucleotide variant.
Coding change: c.6582C>T on transcript NM_017617.5 (MANE Select); coding-DNA position 6582, C replaced by T.
Protein change: p.Ser2194=; no amino-acid change (serine 2194 retained).
Molecular consequence: synonymous variant.
Genome position (GRCh38, 1-based): chr9:136,497,157, G>A on the plus strand (C>T on the coding strand, the complement: NOTCH1 is on the minus strand). VCF-style: chr9-136497157-G-A. GRCh37 (hg19) VCF-style: chr9-139391609-G-A.
Other names: c.6582C>T, p.Ser2194= (LRG_1122t1).
Identifiers: ClinVar variation 389660 (VCV000389660.14), dbSNP rs200853719, ClinGen allele CA5339869.
Genomic context (GRCh38, chr9:136,497,157, plus strand): 5'-GGCCACGTCTGACAGGTAGCCATGGGGTGACTCCAGGGAGTCCACGGGCGAGAGCATGCC[G>A]GAGCTGTCCAGCAGGCAGCCCTTGCCGTCCTGGGACTTCTTCCTCCGTGCCTTGAGGTCC-3'
Protein context (NP_060087.3, residues 2184-2204): QDGKGCLLDS[Ser2194=]GMLSPVDSLE